The following is an entry in ClinVar:

NM_000275.3(OCA2):c.1211C>T (p.Thr404Met)

Gene: OCA2 (OCA2 melanosomal transmembrane protein; minus strand). Cytogenetic location: 15q13.1.
Variant type: single nucleotide variant.
Coding change: c.1211C>T on transcript NM_000275.3 (MANE Select); coding-DNA position 1211, C replaced by T.
Protein change: p.Thr404Met; replaces threonine 404 with methionine.
Molecular consequence: missense variant.
Genome position (GRCh38, 1-based): chr15:27,986,615, G>A on the plus strand (C>T on the coding strand, the complement: OCA2 is on the minus strand). VCF-style: chr15-27986615-G-A. GRCh37 (hg19) VCF-style: chr15-28231761-G-A.
Other names: c.1139C>T, p.Thr380Met (NM_001300984.2); short protein forms T404M, T380M.
Identifiers: ClinVar variation 211766 (VCV000211766.28), dbSNP rs144812594, ClinGen allele CA277110.

ClinVar aggregate classification (germline): Pathogenic/Likely pathogenic. Review status: criteria provided, multiple submitters, no conflicts (2 of 4 stars). 14 submissions from 14 submitters: Pathogenic (7); Likely pathogenic (5). 2 of the submissions do not count toward it. Last evaluated 2026-01-19.

Conditions:
OCA2-related disorder. Also called: OCA2-related condition.
Albinism or congenital nystagmus.
Nonsyndromic Oculocutaneous Albinism.
Oculocutaneous albinism. Identifiers: Orphanet 55, MedGen C0078918, MONDO:0018910.
Tyrosinase-positive oculocutaneous albinism (OCA2). Also called: Oculocutaneous albinism type 2; ALBINISM II; Albinism, oculocutaneous, type II. Identifiers: Orphanet 79432, MedGen C0268495, MONDO:0008746, OMIM 203200.
SKIN/HAIR/EYE PIGMENTATION 1, BLUE/NONBLUE EYES (SHEP1). Also called: HAIR COLOR 3; SKIN/HAIR/EYE PIGMENTATION 1, BLOND/BROWN HAIR; BROWN EYE COLOR 2; EYE COLOR 3; EYE COLOR, BLUE/NONBLUE; EYE COLOR, BROWN/BLUE. Identifiers: MedGen C1856895, OMIM 227220.

Allele frequency attached by ClinVar (database versions not stated): gnomAD exomes 0.00002 and 0.00006; ExAC 0.00007; 1000 Genomes Project 0.00020; gnomAD 0.00021 and 0.00023; TOPMed 0.00021; 1000 Genomes Project 30x 0.00031; ESP Exome Variant Server 0.00038.
gnomAD v4.1: 63 of 1,595,142 alleles (0.0039%); highest among the groups gnomAD compares: African/African-American, 0.056%; no homozygotes.

Submissions (14):

Labcorp Genetics (formerly Invitae), Labcorp
Classification: Pathogenic. Last evaluated: 2026-01-19. Review status: criteria provided, single submitter. Criteria: Invitae Variant Classification Sherloc (09022015). Collection method: clinical testing. Allele origin: germline.
Comment: This sequence change replaces threonine, which is neutral and polar, with methionine, which is neutral and non-polar, at codon 404 of the OCA2 protein (p.Thr404Met). This variant is present in population databases (rs144812594, gnomAD 0.07%). This missense change has been observed in individual(s) with ocular albinism (PMID: 23504663, 24361966, 27734839). In at least one individual the data is consistent with being in trans (on the opposite chromosome) from a pathogenic variant. ClinVar contains an entry for this variant (Variation ID: 211766). Invitae Evidence Modeling of protein sequence and biophysical properties (such as structural, functional, and spatial information, amino acid conservation, physicochemical variation, residue mobility, and thermodynamic stability) indicates that this missense variant is expected to disrupt OCA2 protein function with a positive predictive value of 80%. For these reasons, this variant has been classified as Pathogenic.

GeneDx
Classification: Pathogenic. Last evaluated: 2025-11-21. Review status: criteria provided, single submitter. Criteria: GeneDx Variant Classification Process June 2021. Collection method: clinical testing. Allele origin: germline. Affected: yes.
Comment: In silico analysis supports that this missense variant has a deleterious effect on protein structure/function; This variant is associated with the following publications: (PMID: 23824587, 33144682, 24361966, 28266639, 23504663, 27734839, 36116698, 7762554, 29345414, 34838614, 37334785, 37956964, 37471664, 19060277, 38030918)

NHS Central & South Genomic Laboratory Hub
Classification: Likely pathogenic for Albinism or congenital nystagmus. Last evaluated: 2025-06-05. Review status: criteria provided, single submitter. Criteria: ACMG Guidelines, 2015. Collection method: clinical testing. Allele origin: germline. Affected: yes.

PreventionGenetics, part of Exact Sciences
Classification: Pathogenic for OCA2-related condition. Last evaluated: 2025-04-03. Review status: criteria provided, single submitter. Criteria: ACMG Guidelines, 2015. Collection method: clinical testing. Allele origin: germline.
Comment: The OCA2 c.1211C>T variant is predicted to result in the amino acid substitution p.Thr404Met. This variant has been reported in the compound heterozygous and homozygous states in individuals with oculocutaneous albinism (Rimoldi et al. 2014. PubMed ID: 24361966; Shahzad et al. 2017. PubMed ID: 28266639; Table S1, Wei et al. 2022. PubMed ID: 34838614). This variant is present in 0.068% of alleles in individuals of African descent in gnomAD. Given the evidence, we interpret this variant as pathogenic.

Women's Health and Genetics/Laboratory Corporation of America, LabCorp
Classification: Likely pathogenic for Oculocutaneous albinism. Last evaluated: 2024-08-16. Review status: criteria provided, single submitter. Criteria: LabCorp Variant Classification Summary - May 2015. Collection method: clinical testing. Allele origin: germline.
Comment: Variant summary: OCA2 c.1211C>T (p.Thr404Met) results in a non-conservative amino acid change located in the Citrate transporter-like domain (IPR004680) of the encoded protein sequence. Five of five in-silico tools predict a damaging effect of the variant on protein function. The variant allele was found at a frequency of 6.4e-05 in 251456 control chromosomes. This frequency is not significantly higher than estimated for a pathogenic variant in OCA2 causing Oculocutaneous Albinism (6.4e-05 vs 0.0043), allowing no conclusion about variant significance. c.1211C>T has been reported in the literature in the presumed compound heterozygous state in multiple individuals affected with Oculocutaneous Albinism (example, Mauri_2017, Wei_2022, Simeonov_2013). These data indicate that the variant is likely to be associated with disease. To our knowledge, no experimental evidence demonstrating an impact on protein function has been reported. The following publications have been ascertained in the context of this evaluation (PMID: 27734839, 24361966, 28266639, 23504663, 34838614). ClinVar contains an entry for this variant (Variation ID: 211766). Based on the evidence outlined above, the variant was classified as likely pathogenic.

Baylor Genetics
Classification: Pathogenic for SKIN/HAIR/EYE PIGMENTATION 1, BLUE/NONBLUE EYES. Last evaluated: 2024-03-30. Review status: criteria provided, single submitter. Criteria: ACMG Guidelines, 2015. Collection method: clinical testing. Allele origin: unknown.

Fulgent Genetics
Classification: Pathogenic for Tyrosinase-positive oculocutaneous albinism; SKIN/HAIR/EYE PIGMENTATION 1, BLUE/NONBLUE EYES. Last evaluated: 2024-03-25. Review status: criteria provided, single submitter. Criteria: ACMG Guidelines, 2015. Collection method: clinical testing. Allele origin: germline.

Blueprint Genetics
Classification: Pathogenic for OCA2-related disorders. Last evaluated: 2023-10-26. Review status: criteria provided, single submitter. Criteria: ACMG Guidelines, 2015. Collection method: clinical testing. Allele origin: germline. Affected: yes. Observed: 5 variant alleles.

Centre for Human Genetics, University of Kinshasa
Classification: Pathogenic for Tyrosinase-positive oculocutaneous albinism. Last evaluated: 2022-08-06. Review status: criteria provided, single submitter. Criteria: ACMG Guidelines, 2015. Collection method: clinical testing. Allele origin: germline. Inheritance: Autosomal recessive inheritance. Affected: yes. Observed: 1 variant allele.
Comment: This missense variant replaces a conserved Threonine residue with a Methionine. This change is predicted damaging by the vast majority of prediction algorithms. This variant is very rare with no homozygous in gnomAD (AF: 0.0000636), was submitted to ClinVar by multiple submitters mostly classifying this variant as pathogenic/Likely pathogenic (VCV000211766.10), and is mentioned in at least three publications (PMID: 29345414‚ PMID: 10649493). Previous ClinVar submissions contain information regarding functional analysis demonstrating the pathogenic role of this variant. This variant was classified as pathogenic according to the ACMG guidelines

3billion
Classification: Likely pathogenic for Tyrosinase-positive oculocutaneous albinism. Last evaluated: 2022-05-22. Review status: criteria provided, single submitter. Criteria: ACMG Guidelines, 2015. Collection method: clinical testing. Allele origin: germline. Affected: yes. Observed: 1 homozygote.
Comment: The variant is observed at an extremely low frequency in the gnomAD v2.1.1 dataset (total allele frequency: 0.008%). In silico tool predictions suggest damaging effect of the variant on gene or gene product (REVEL: 0.96; 3Cnet: 1.00). Same nucleotide change resulting in same amino acid change has been previously reported as pathogenic/likely pathogenic with strong evidence (ClinVar ID: VCV000211766). Therefore, this variant is classified as likely pathogenic according to the recommendation of ACMG/AMP guideline.

Genome-Nilou Lab
Classification: Likely pathogenic for Tyrosinase-positive oculocutaneous albinism. Last evaluated: 2021-11-07. Review status: criteria provided, single submitter. Criteria: ACMG Guidelines, 2015. Collection method: clinical testing. Allele origin: germline. Affected: no.

Genetic Services Laboratory, University of Chicago
Classification: Likely pathogenic for Albinism, oculocutaneous, type II. Last evaluated: 2015-02-26. Review status: criteria provided, single submitter. Criteria: ACMG Guidelines, 2015. Collection method: clinical testing. Allele origin: germline. Affected: yes.

University of Washington Center for Mendelian Genomics, University of Washington
Classification: Likely pathogenic for Nonsyndromic Oculocutaneous Albinism. Last evaluated: 2017-03-07. Review status: no assertion criteria provided. Collection method: research. Allele origin: unknown. Affected: yes. Observed: 1 homozygote. Not counted in ClinVar's aggregate classification.

Laboratory of Genetic Epidemiology, Research Centre for Medical Genetics
Classification: Uncertain significance for SKIN/HAIR/EYE PIGMENTATION 1, BLUE/NONBLUE EYES; Tyrosinase-positive oculocutaneous albinism. Last evaluated: 2025-01-01. Review status: flagged submission. Criteria: ACMG Guidelines, 2015. Collection method: clinical testing. Allele origin: unknown. Inheritance: Autosomal recessive inheritance. Affected: yes. Observed: 1 variant allele, 1 heterozygote. Not counted in ClinVar's aggregate classification.
Comment: This variant has been previously reported in the literature (PMIDs: 28266639, 37471664) and is listed in gnomAD v3.1.2 with allele frequency 0.00003 in Europe (2/68022). The affected amino acid position is evolutionarily conserved, and multiple in silico prediction tools support a deleterious effect. Taken together, the variant meets the following ACMG/AMP criteria and can be classified as uncertain significance with with PM2, PP5, PP4 criteria.
ClinVar note: Reason: Outlier claim with insufficient supporting evidence

Literature cited by the submitters: PubMed 23504663 (cited by Labcorp Genetics (formerly Invitae), Labcorp and Women's Health and Genetics/Laboratory Corporation of America, LabCorp); PubMed 24361966 (cited by Labcorp Genetics (formerly Invitae), Labcorp and Women's Health and Genetics/Laboratory Corporation of America, LabCorp); PubMed 27734839 (cited by Labcorp Genetics (formerly Invitae), Labcorp and Women's Health and Genetics/Laboratory Corporation of America, LabCorp); PubMed 34838614 (cited by Women's Health and Genetics/Laboratory Corporation of America, LabCorp); PubMed 28266639 (cited by 3 submitters); PubMed 37471664 (cited by Laboratory of Genetic Epidemiology, Research Centre for Medical Genetics); PubMed 41428507 (cited by Laboratory of Genetic Epidemiology, Research Centre for Medical Genetics).